The following is an entry in ClinVar:

ClinVar aggregate classification (germline): Likely pathogenic (1 of 4 stars; one submission).

Conditions:
Glycine encephalopathy. Also called: Nonketotic hyperglycinemia; Non-ketotic hyperglycinemia. Identifiers: Orphanet 407, MedGen C0751748, MONDO:0011612, HP:0008288.

Allele frequency attached by ClinVar (database versions not stated): gnomAD exomes 0.00001; TOPMed 0.00001.
gnomAD v4.1: 5 of 1,613,340 alleles (0.00031%); highest among the groups gnomAD compares: Non-Finnish European, 0.00042%; no homozygotes.

Submission:

Labcorp Genetics (formerly Invitae), Labcorp
Classification: Likely pathogenic for Glycine encephalopathy. Last evaluated: 2022-08-01. Review status: criteria provided, single submitter. Criteria: Invitae Variant Classification Sherloc (09022015). Collection method: clinical testing. Allele origin: germline.
Comment: This sequence change replaces asparagine, which is neutral and polar, with serine, which is neutral and polar, at codon 150 of the GLDC protein (p.Asn150Ser). This variant is not present in population databases (gnomAD no frequency). This variant has not been reported in the literature in individuals affected with GLDC-related conditions. ClinVar contains an entry for this variant (Variation ID: 1417588). Advanced modeling of protein sequence and biophysical properties (such as structural, functional, and spatial information, amino acid conservation, physicochemical variation, residue mobility, and thermodynamic stability) performed at Invitae indicates that this missense variant is expected to disrupt GLDC protein function. This variant disrupts the p.Asn150 amino acid residue in GLDC. Other variant(s) that disrupt this residue have been determined to be pathogenic (PMID: 34513771; Invitae). This suggests that this residue is clinically significant, and that variants that disrupt this residue are likely to be disease-causing. In summary, the currently available evidence indicates that the variant is pathogenic, but additional data are needed to prove that conclusively. Therefore, this variant has been classified as Likely Pathogenic.

Literature cited by the submitters: PubMed 34513771.

NM_000170.3(GLDC):c.449A>G (p.Asn150Ser)

Gene: GLDC (glycine decarboxylase; minus strand). Cytogenetic location: 9p24.1.
Variant type: single nucleotide variant.
Coding change: c.449A>G on transcript NM_000170.3 (MANE Select); coding-DNA position 449, A replaced by G.
Protein change: p.Asn150Ser; replaces asparagine 150 with serine.
Molecular consequence: missense variant.
Genome position (GRCh38, 1-based): chr9:6,620,205, T>C on the plus strand (A>G on the coding strand, the complement: GLDC is on the minus strand). VCF-style: chr9-6620205-T-C. GRCh37 (hg19) VCF-style: chr9-6620205-T-C.
Other names: short protein forms N150S.
Identifiers: ClinVar variation 1417588 (VCV001417588.5), dbSNP rs386833578, ClinGen allele CA188655989.